The following is an entry in ClinVar:

NM_152641.4(ARID2):c.1499C>G (p.Ala500Gly)

Gene: ARID2 (AT-rich interaction domain 2; plus strand). Cytogenetic location: 12q12.
Variant type: single nucleotide variant.
Coding change: c.1499C>G on transcript NM_152641.4 (MANE Select); coding-DNA position 1499, C replaced by G.
Protein change: p.Ala500Gly; replaces alanine 500 with glycine.
Molecular consequence: missense variant.
Genome position (GRCh38, 1-based): chr12:45,846,856, C>G. VCF-style: chr12-45846856-C-G. GRCh37 (hg19) VCF-style: chr12-46240639-C-G.
Other names: c.1499C>G, p.Ala500Gly (NM_001347839.2); short protein forms A500G.
Identifiers: ClinVar variation 2642910 (VCV002642910.24), dbSNP rs144591817, ClinGen allele CA6526156.

ClinVar aggregate classification (germline): Likely benign (1 of 4 stars; one submission).

Allele frequency attached by ClinVar (database versions not stated): TOPMed 0.00012; gnomAD 0.00015; ExAC 0.00022; ESP Exome Variant Server 0.00023.
gnomAD v4.1: 714 of 1,610,716 alleles (0.044%); highest among the groups gnomAD compares: Non-Finnish European, 0.059%; no homozygotes.

Submission:

CeGaT Center for Human Genetics Tuebingen
Classification: Likely benign. Last evaluated: 2025-06-01. Review status: criteria provided, single submitter. Criteria: CeGaT Center For Human Genetics Tuebingen Variant Classification Criteria Version 2. Collection method: clinical testing. Allele origin: germline. Affected: yes. Observed: 3 variant alleles.
Comment: ARID2: BP4, BS1